The following is an entry in ClinVar:

NM_001395413.1(POR):c.1840G>A (p.Glu614Lys)

Gene: POR (cytochrome p450 oxidoreductase; plus strand). Cytogenetic location: 7q11.23.
Variant type: single nucleotide variant.
Coding change: c.1840G>A on transcript NM_001395413.1 (MANE Select); coding-DNA position 1840, G replaced by A.
Protein change: p.Glu614Lys; replaces glutamic acid 614 with lysine.
Molecular consequence: missense variant.
Genome position (GRCh38, 1-based): chr7:75,986,192, G>A. VCF-style: chr7-75986192-G-A. GRCh37 (hg19) VCF-style: chr7-75615510-G-A.
Other names: c.1840G>A, p.Glu614Lys (NM_001367562.3, NM_001382657.2, NM_001382658.3 and 1 more transcripts); c.1894G>A, p.Glu632Lys (NM_001382655.3); c.1690G>A, p.Glu564Lys (NM_001382662.3); short protein forms E564K, E614K, E632K.
Identifiers: ClinVar variation 1430112 (VCV001430112.8), dbSNP rs771477130, ClinGen allele CA160910075.
Genomic context (GRCh38, chr7:75,986,192, plus strand): 5'-CCCTCACAGCACCACCCTTGGCCCCAGGTCTACGTCCAGCACCTGCTAAAGCAAGACCGA[G>A]AGCACCTGTGGAAGTTGATCGAAGGCGGTGCCCACATCTACGTCTGTGGGTGAGTGAGTG-3'
Protein context (NP_001382342.1, residues 604-624): YVQHLLKQDR[Glu614Lys]HLWKLIEGGA

ClinVar aggregate classification (germline): Uncertain significance (1 of 4 stars; one submission).

Conditions:
Congenital adrenal hyperplasia due to cytochrome P450 oxidoreductase deficiency. Also called: DISORDERED STEROIDOGENESIS DUE TO POR DEFICIENCY. Identifiers: Orphanet 95699, MedGen C1860042, MONDO:0013310, OMIM 613571.

Allele frequency attached by ClinVar (database versions not stated): gnomAD exomes below 0.00001.
gnomAD v4.1: 1 of 1,612,510 alleles (0.000062%); highest among the groups gnomAD compares: Non-Finnish European, 0.000085%; no homozygotes.

Submission:

Labcorp Genetics (formerly Invitae), Labcorp
Classification: Uncertain significance for Congenital adrenal hyperplasia due to cytochrome P450 oxidoreductase deficiency. Last evaluated: 2021-05-28. Review status: criteria provided, single submitter. Criteria: Invitae Variant Classification Sherloc (09022015). Collection method: clinical testing. Allele origin: germline.
Comment: This sequence change replaces glutamic acid with lysine at codon 617 of the POR protein (p.Glu617Lys). The glutamic acid residue is highly conserved and there is a small physicochemical difference between glutamic acid and lysine. In summary, the available evidence is currently insufficient to determine the role of this variant in disease. Therefore, it has been classified as a Variant of Uncertain Significance. Algorithms developed to predict the effect of missense changes on protein structure and function are either unavailable or do not agree on the potential impact of this missense change (SIFT: "Deleterious"; PolyPhen-2: "Benign"; Align-GVGD: "Class C0"). This variant has not been reported in the literature in individuals with POR-related conditions. This variant is not present in population databases (ExAC no frequency).